The following is an entry in ClinVar:

NM_003998.4(NFKB1):c.65C>G (p.Thr22Ser)

Gene: NFKB1 (nuclear factor kappa B subunit 1; plus strand). Cytogenetic location: 4q24.
Variant type: single nucleotide variant.
Coding change: c.65C>G on transcript NM_003998.4 (MANE Select); coding-DNA position 65, C replaced by G.
Protein change: p.Thr22Ser; replaces threonine 22 with serine.
Molecular consequence: missense variant.
Genome position (GRCh38, 1-based): chr4:102,529,861, C>G. VCF-style: chr4-102529861-C-G. GRCh37 (hg19) VCF-style: chr4-103451018-C-G.
Other names: c.65C>G, p.Thr22Ser (NM_001165412.2, NM_001319226.2, NM_001382625.1 and 2 more transcripts); c.26C>G, p.Thr9Ser (NM_001382628.1); short protein forms T22S, T9S.
Identifiers: ClinVar variation 1307278 (VCV001307278.2), dbSNP rs2149118438, ClinGen allele CA357957360.

ClinVar aggregate classification (germline): Uncertain significance (1 of 4 stars; one submission).

Submission:

GeneDx
Classification: Uncertain significance. Last evaluated: 2019-03-20. Review status: criteria provided, single submitter. Criteria: GeneDx Variant Classification Process June 2021. Collection method: clinical testing. Allele origin: germline. Affected: yes.
Comment: Has not been previously published as pathogenic or benign to our knowledge; Not observed in large population cohorts (Lek et al., 2016); In silico analysis, which includes protein predictors and evolutionary conservation, supports that this variant does not alter protein structure/function